The following is an entry in ClinVar:

NM_014363.6(SACS):c.12981_12984del (p.Ile4328fs)

Gene: SACS (sacsin molecular chaperone; minus strand). Cytogenetic location: 13q12.12.
Variant type: Deletion.
Coding change: c.12981_12984del on transcript NM_014363.6 (MANE Select); coding-DNA positions 12981 to 12984, 4 bases deleted (GATT; older notation c.12981_12984delGATT).
Protein change: p.Ile4328fs; shifts the reading frame from isoleucine 4328.
Molecular consequence: frameshift variant.
Genome position (GRCh38, 1-based): chr13:23,330,892-23,330,895, AATC deleted on the plus strand (GATT on the coding strand, the reverse complement: SACS is on the minus strand). VCF-style (leftmost placement, unchanged base first): chr13-23330891-TAATC-T. GRCh37 (hg19) VCF-style: chr13-23905030-TAATC-T.
Other names: c.12540_12543del, p.Ile4181fs (NM_001278055.2); short protein forms I4328fs, I4181fs.
Identifiers: ClinVar variation 870674 (VCV000870674.42), dbSNP rs1883423972, ClinGen allele CA1139663016.
Genomic context (GRCh38, chr13:23,330,891, plus strand): 5'-TGGCAATGTCATGGTTCTCTGGATTTTTGTCAGGATGCCATTTCAAATACAACCGCCTAA[TAATC>T]TTTTTTCGTTCCGATTCTGGAAGCTTCCATGCTTGCTCCACCACAGATGTCACTTCTTTT-3'

ClinVar aggregate classification (germline): Pathogenic. Review status: criteria provided, multiple submitters, no conflicts (2 of 4 stars). 2 submissions from 2 submitters: Pathogenic (2). Last evaluated 2025-07-03.

Conditions:
Charlevoix-Saguenay spastic ataxia (SACS). Also called: Spastic ataxia of Charlevoix-Saguenay; SPASTIC ATAXIA 6, AUTOSOMAL RECESSIVE; AUTOSOMAL RECESSIVE SPASTIC ATAXIA OF CHARLEVOIX-SAGUENAY. Identifiers: Orphanet 98, MedGen C1849140, MONDO:0010041, OMIM 270550.

Allele frequency attached by ClinVar (database versions not stated): gnomAD exomes below 0.00001.

Submissions (2):

Myriad Genetics, Inc.
Classification: Pathogenic for Charlevoix-Saguenay spastic ataxia. Last evaluated: 2025-07-03. Review status: criteria provided, single submitter. Criteria: Myriad Autosomal Dominant, Autosomal Recessive and X-Linked Classification Criteria (2023). Collection method: clinical testing. Allele origin: unknown.
Comment: NM_014363.4(SACS):c.12981_12984delGATT(I4328Lfs*6) is a frameshift variant classified as pathogenic in the context of autosomal recessive spastic ataxia of Charlevoix-Saguenay. I4328Lfs*6 has not been observed in cases with relevant disease. Relevant functional assessments of this variant are not available in the literature. I4328Lfs*6 has not been observed in referenced population frequency databases. In summary, NM_014363.4(SACS):c.12981_12984delGATT(I4328Lfs*6) is a frameshift variant in a gene where loss of function is a known mechanism of disease and is predicted to disrupt protein function. Please note: this variant was assessed in the context of healthy population screening.

CeGaT Center for Human Genetics Tuebingen
Classification: Pathogenic. Last evaluated: 2017-02-01. Review status: criteria provided, single submitter. Criteria: CeGaT Center For Human Genetics Tuebingen Variant Classification Criteria Version 2. Collection method: clinical testing. Allele origin: germline. Affected: yes. Observed: 1 variant allele.